The following is an entry in ClinVar:

NM_000329.3(RPE65):c.272_273insA (p.Ala92fs)

Gene: RPE65 (retinoid isomerohydrolase RPE65; minus strand). Cytogenetic location: 1p31.3.
Variant type: Insertion.
Coding change: c.272_273insA on transcript NM_000329.3 (MANE Select); coding-DNA positions 272 to 273, A inserted.
Protein change: p.Ala92fs; shifts the reading frame from alanine 92.
Molecular consequence: frameshift variant. On other transcripts: 5 prime UTR variant (2), intron variant (1).
Genome position: GRCh38 VCF-style: chr1-68444856-C-CT. GRCh37 (hg19) VCF-style: chr1-68910539-C-CT.
Other names: c.-5_-4insA (NM_001406856.1, NM_001406857.1); c.272_273insA, p.Ala92fs (NM_001406859.1, NM_001406860.1); c.246-185_246-184insA (NM_001406853.1); short protein forms A92fs.
Identifiers: ClinVar variation 5010951 (VCV005010951.1).
Genomic context (GRCh38, chr1:68,444,856, plus strand): 5'-GGGATCTGGGAAAGCACAGGTGCCAAATTCTGTTATGACGATCCTTTTCTCAGTCATTGC[C>CT]CGTACGTAAGCATCAGTGCGGATGAACCTGAAGGACATTGAAACATAGGGAAGAGTATAG-3'

ClinVar aggregate classification (germline): Pathogenic (1 of 4 stars; one submission).

Conditions:
RPE65-related recessive retinopathy. Also called: Recessive RPE65 retinopathy. Identifiers: MedGen CN305526, MONDO:0100368.

Submission:

Myriad Genetics, Inc.
Classification: Pathogenic for RPE65-related recessive retinopathy. Last evaluated: 2024-05-14. Review status: criteria provided, single submitter. Criteria: Myriad Autosomal Dominant, Autosomal Recessive and X-Linked Classification Criteria (2023). Collection method: clinical testing. Allele origin: unknown.
Comment: NM_000329.2(RPE65):c.272_273insA(A92Gfs*4) is expected to be pathogenic in the context of inherited retinal dystrophy, RPE65-related. This variant is predicted to lead to an abnormal or absent protein product due to the creation of a premature termination codon in RPE65, a gene where loss-of-function variants are known to be pathogenic. Please note: this variant was assessed in the context of healthy population screening.